The following is an entry in ClinVar:

NM_025219.3(DNAJC5):c.432G>C (p.Glu144Asp)

Gene: DNAJC5 (DnaJ heat shock protein family (Hsp40) member C5; plus strand). Cytogenetic location: 20q13.33.
Variant type: single nucleotide variant.
Coding change: c.432G>C on transcript NM_025219.3 (MANE Select); coding-DNA position 432, G replaced by C.
Protein change: p.Glu144Asp; replaces glutamic acid 144 with aspartic acid.
Molecular consequence: missense variant.
Genome position (GRCh38, 1-based): chr20:63,930,961, G>C. VCF-style: chr20-63930961-G-C. GRCh37 (hg19) VCF-style: chr20-62562314-G-C.
Other names: short protein forms E144D.
Identifiers: ClinVar variation 3364926 (VCV003364926.1).

ClinVar aggregate classification (germline): Uncertain significance (1 of 4 stars; one submission).

Submission:

GeneDx
Classification: Uncertain significance. Last evaluated: 2023-12-02. Review status: criteria provided, single submitter. Criteria: GeneDx Variant Classification Process June 2021. Collection method: clinical testing. Allele origin: germline. Affected: yes.
Comment: Not observed at significant frequency in large population cohorts (gnomAD); In silico analysis supports that this missense variant does not alter protein structure/function; Has not been previously published as pathogenic or benign to our knowledge